The following is an entry in ClinVar:

ClinVar aggregate classification (germline): Likely benign. Review status: criteria provided, single submitter (1 of 4 stars). 2 submissions from 2 submitters: Likely benign (1). 1 of the submissions does not count toward it. Last evaluated 2026-01-01.

Conditions:
CELSR1-related disorder. Also called: CELSR1-related condition.

Allele frequency attached by ClinVar (database versions not stated): ExAC 0.00006; TOPMed 0.00006; gnomAD 0.00007; gnomAD exomes 0.00007.
gnomAD v4.1: 113 of 1,612,324 alleles (0.007%); highest among the groups gnomAD compares: East Asian, 0.14%; no homozygotes.

Submissions (2):

CeGaT Center for Human Genetics Tuebingen
Classification: Likely benign. Last evaluated: 2026-01-01. Review status: criteria provided, single submitter. Criteria: CeGaT Center For Human Genetics Tuebingen Variant Classification Criteria Version 2. Collection method: clinical testing. Allele origin: germline. Affected: yes. Observed: 1 variant allele.
Comment: CELSR1: BP4, BP7

PreventionGenetics, part of Exact Sciences
Classification: Likely benign for CELSR1-related condition. Last evaluated: 2019-09-17. Review status: no assertion criteria provided. Collection method: clinical testing. Allele origin: germline. Not counted in ClinVar's aggregate classification.
Comment: This variant is classified as likely benign based on ACMG/AMP sequence variant interpretation guidelines (Richards et al. 2015 PMID: 25741868, with internal and published modifications).

NM_001378328.1(CELSR1):c.5496C>T (p.Ser1832=)

Gene: CELSR1 (cadherin EGF LAG seven-pass G-type receptor 1; minus strand). Cytogenetic location: 22q13.31.
Variant type: single nucleotide variant.
Coding change: c.5496C>T on transcript NM_001378328.1 (MANE Select); coding-DNA position 5496, C replaced by T.
Protein change: p.Ser1832=; no amino-acid change (serine 1832 retained).
Molecular consequence: synonymous variant.
Genome position (GRCh38, 1-based): chr22:46,398,554, G>A on the plus strand (C>T on the coding strand, the complement: CELSR1 is on the minus strand). VCF-style: chr22-46398554-G-A. GRCh37 (hg19) VCF-style: chr22-46794451-G-A.
Other names: c.5496C>T, p.Ser1832= (NM_014246.4).
Identifiers: ClinVar variation 3042358 (VCV003042358.6), dbSNP rs772486012, ClinGen allele CA10294231.